The following is an entry in ClinVar:

NM_000474.4(TWIST1):c.406C>A (p.Pro136Thr)

Gene: TWIST1 (twist family bHLH transcription factor 1; minus strand). Cytogenetic location: 7p21.1.
Variant type: single nucleotide variant.
Coding change: c.406C>A on transcript NM_000474.4 (MANE Select); coding-DNA position 406, C replaced by A.
Protein change: p.Pro136Thr; replaces proline 136 with threonine.
Molecular consequence: missense variant. On other transcripts: non-coding transcript variant (1).
Genome position (GRCh38, 1-based): chr7:19,116,916, G>T on the plus strand (C>A on the coding strand, the complement: TWIST1 is on the minus strand). VCF-style: chr7-19116916-G-T. GRCh37 (hg19) VCF-style: chr7-19156539-G-T.
Other names: short protein forms P136T.
Identifiers: ClinVar variation 655051 (VCV000655051.8), dbSNP rs1585616989, ClinGen allele CA367015506.

ClinVar aggregate classification (germline): Uncertain significance (1 of 4 stars; one submission).

Conditions:
TWIST1-related craniosynostosis (CRS1). Also called: CRANIOSYNOSTOSIS 1. Identifiers: Orphanet 63440, MedGen C4551902, MONDO:0007399, OMIM 123100. Inheritance: Heterogenous inheritance pattern.
Saethre-Chotzen syndrome (SCS). Also called: ACROCEPHALY, SKULL ASYMMETRY, AND MILD SYNDACTYLY; ACS III; CHOTZEN SYNDROME. Identifiers: Orphanet 794, MedGen C0175699, MONDO:0007042, OMIM 101400.

Submission:

Labcorp Genetics (formerly Invitae), Labcorp
Classification: Uncertain significance for TWIST1-related craniosynostosis; Saethre-Chotzen syndrome. Last evaluated: 2022-01-14. Review status: criteria provided, single submitter. Criteria: Invitae Variant Classification Sherloc (09022015). Collection method: clinical testing. Allele origin: germline.
Comment: In summary, the available evidence is currently insufficient to determine the role of this variant in disease. Therefore, it has been classified as a Variant of Uncertain Significance. This variant disrupts the p.Pro136 amino acid residue in TWIST1. Other variant(s) that disrupt this residue have been determined to be pathogenic (PMID: 15923834, 20184424). This suggests that this residue is clinically significant, and that variants that disrupt this residue are likely to be disease-causing. Algorithms developed to predict the effect of missense changes on protein structure and function (SIFT, PolyPhen-2, Align-GVGD) all suggest that this variant is likely to be disruptive. ClinVar contains an entry for this variant (Variation ID: 655051). This variant has not been reported in the literature in individuals affected with TWIST1-related conditions. This variant is not present in population databases (gnomAD no frequency). This sequence change replaces proline, which is neutral and non-polar, with threonine, which is neutral and polar, at codon 136 of the TWIST1 protein (p.Pro136Thr).

Literature cited by the submitters: PubMed 15923834; PubMed 20184424.